The following is an entry in ClinVar:

NM_000368.5(TSC1):c.509-16C>T

Gene: TSC1 (TSC complex subunit 1; minus strand). Cytogenetic location: 9q34.13.
Variant type: single nucleotide variant.
Coding change: c.509-16C>T on transcript NM_000368.5 (MANE Select); 16 bases into the intron before coding-DNA position 509, C replaced by T.
Molecular consequence: intron variant.
Genome position (GRCh38, 1-based): chr9:132,921,989, G>A on the plus strand (C>T on the coding strand, the complement: TSC1 is on the minus strand). VCF-style: chr9-132921989-G-A. GRCh37 (hg19) VCF-style: chr9-135797376-G-A.
Other names: c.146-16C>T (NM_001362177.2); c.356-16C>T (NM_001162427.2); c.509-16C>T (NM_001162426.2).
Identifiers: ClinVar variation 1529858 (VCV001529858.9), dbSNP rs1316888340, ClinGen allele CA591050652.

ClinVar aggregate classification (germline): Likely benign. Review status: criteria provided, multiple submitters, no conflicts (2 of 4 stars). 2 submissions from 2 submitters: Likely benign (2). Last evaluated 2026-01-11.

Conditions:
Tuberous sclerosis 1 (TSC1). Identifiers: Orphanet 805, MedGen C1854465, MONDO:0008612, OMIM 191100.

Allele frequency attached by ClinVar (database versions not stated): gnomAD exomes below 0.00001 and 0.00001; gnomAD 0.00001.
gnomAD v4.1: 9 of 1,613,872 alleles (0.00056%); highest among the groups gnomAD compares: African/African-American, 0.0013%; no homozygotes.

Submissions (2):

Labcorp Genetics (formerly Invitae), Labcorp
Classification: Likely benign for Tuberous sclerosis 1. Last evaluated: 2026-01-11. Review status: criteria provided, single submitter. Criteria: Invitae Variant Classification Sherloc (09022015). Collection method: clinical testing. Allele origin: germline.

Myriad Genetics, Inc.
Classification: Likely benign for Tuberous sclerosis 1. Last evaluated: 2025-04-08. Review status: criteria provided, single submitter. Criteria: Myriad Autosomal Dominant, Autosomal Recessive and X-Linked Classification Criteria (2023). Collection method: clinical testing. Allele origin: unknown.
Comment: This variant is considered likely benign. This variant is intronic and is not expected to impact mRNA splicing.